The following is an entry in ClinVar:

ClinVar aggregate classification (germline): Benign. Review status: criteria provided, multiple submitters, no conflicts (2 of 4 stars). 2 submissions from 2 submitters: Benign (2). Last evaluated 2018-06-18.

Allele frequency attached by ClinVar (database versions not stated): 1000 Genomes Project 0.04952; 1000 Genomes Project 30x 0.05028; TOPMed 0.08351; gnomAD 0.08432 and 0.08522; gnomAD exomes 0.11542.
gnomAD v4.1: 147,548 of 1,316,590 alleles (11%); highest among the groups gnomAD compares: Middle Eastern, 20%; 9,399 homozygotes.

Submissions (2):

GeneDx
Classification: Benign. Last evaluated: 2018-06-18. Review status: criteria provided, single submitter. Criteria: GeneDx Variant Classification (06012015). Collection method: clinical testing. Allele origin: germline. Affected: yes.
Comment: This variant is considered likely benign or benign based on one or more of the following criteria: it is a conservative change, it occurs at a poorly conserved position in the protein, it is predicted to be benign by multiple in silico algorithms, and/or has population frequency not consistent with disease.

Breakthrough Genomics
Classification: Benign. Review status: criteria provided, single submitter. Criteria: ACMG Guidelines, 2015. Collection method: not provided. Allele origin: germline. Inheritance: Autosomal recessive inheritance. Affected: yes.

NM_018127.7(ELAC2):c.983+59A>T

Gene: ELAC2 (elaC ribonuclease Z 2; minus strand). Cytogenetic location: 17p12.
Variant type: single nucleotide variant.
Coding change: c.983+59A>T on transcript NM_018127.7 (MANE Select); 59 bases into the intron after coding-DNA position 983, A replaced by T.
Molecular consequence: intron variant.
Genome position (GRCh38, 1-based): chr17:13,004,930, T>A on the plus strand (A>T on the coding strand, the complement: ELAC2 is on the minus strand). VCF-style: chr17-13004930-T-A. GRCh37 (hg19) VCF-style: chr17-12908247-T-A.
Other names: c.863+59A>T (NM_001165962.2); c.983+59A>T (NM_173717.2).
Identifiers: ClinVar variation 676211 (VCV000676211.2), dbSNP rs17639379, ClinGen allele CA14473294.